The following is an entry in ClinVar:

NM_002495.4(NDUFS4):c.-6A>C

Genes: NDUFS4 (NADH:ubiquinone oxidoreductase subunit S4; plus strand), LOC129993885 (ATAC-STARR-seq lymphoblastoid active region 22547; plus strand). Cytogenetic location: 5q11.2.
Variant type: single nucleotide variant.
Coding change: c.-6A>C on transcript NM_002495.4 (MANE Select); 6 bases upstream of the start codon, A replaced by C.
Molecular consequence: 5 prime UTR variant. On other transcripts: non-coding transcript variant (3).
Genome position (GRCh38, 1-based): chr5:53,560,657, A>C. VCF-style: chr5-53560657-A-C. GRCh37 (hg19) VCF-style: chr5-52856487-A-C.
Other names: c.-6A>C (NM_001318051.2).
Identifiers: ClinVar variation 382964 (VCV000382964.1), dbSNP rs73754255, ClinGen allele CA16604964.

ClinVar aggregate classification (germline): Likely benign (1 of 4 stars; one submission).

Allele frequency attached by ClinVar (database versions not stated): TOPMed 0.00004.
gnomAD v4.1: 65 of 1,614,148 alleles (0.004%); highest among the groups gnomAD compares: Non-Finnish European, 0.0052%; no homozygotes.

Submission:

GeneDx
Classification: Likely benign. Last evaluated: 2016-02-11. Review status: criteria provided, single submitter. Criteria: GeneDx Variant Classification (06012015). Collection method: clinical testing. Allele origin: germline. Affected: yes.
Comment: This variant is considered likely benign or benign based on one or more of the following criteria: it is a conservative change, it occurs at a poorly conserved position in the protein, it is predicted to be benign by multiple in silico algorithms, and/or has population frequency not consistent with disease.